The following is an entry in ClinVar:

NM_004793.4(LONP1):c.2598C>T (p.Ser866=)

Gene: LONP1 (lon peptidase 1, mitochondrial; minus strand). Cytogenetic location: 19p13.3.
Variant type: single nucleotide variant.
Coding change: c.2598C>T on transcript NM_004793.4 (MANE Select); coding-DNA position 2598, C replaced by T.
Protein change: p.Ser866=; no amino-acid change (serine 866 retained).
Molecular consequence: synonymous variant. On other transcripts: non-coding transcript variant (1).
Genome position (GRCh38, 1-based): chr19:5,693,403, G>A on the plus strand (C>T on the coding strand, the complement: LONP1 is on the minus strand). VCF-style: chr19-5693403-G-A. GRCh37 (hg19) VCF-style: chr19-5693414-G-A.
Other names: c.2406C>T, p.Ser802= (NM_001276479.2); c.2010C>T, p.Ser670= (NM_001276480.1).
Identifiers: ClinVar variation 734382 (VCV000734382.10), dbSNP rs151308285, ClinGen allele CA9114040.
Genomic context (GRCh38, chr19:5,693,403, plus strand): 5'-CGTGAGGGAGACTTCGCCAGTCATGGCCAGATTCTGCCGGACAGGCCTGCCCATGGCCAG[G>A]GACAGCAGGGCCGTGACGATGGTGCAGCCTGCGCTTGGGCCGTCCTTGGGGGTGGCGCCC-3'
Protein context (NP_004784.2, residues 856-876): AGCTIVTALL[Ser866=]LAMGRPVRQN

ClinVar aggregate classification (germline): Likely benign. Review status: criteria provided, multiple submitters, no conflicts (2 of 4 stars). 2 submissions from 2 submitters: Likely benign (2). Last evaluated 2025-11-27.

Conditions:
LONP1-related disorder. Also called: LONP1-related condition; LONP1-related disorders.

Allele frequency attached by ClinVar (database versions not stated): ESP Exome Variant Server 0.00015; 1000 Genomes Project 30x 0.00016; gnomAD 0.00019; 1000 Genomes Project 0.00020; TOPMed 0.00029.
gnomAD v4.1: 225 of 1,613,008 alleles (0.014%); highest among the groups gnomAD compares: Middle Eastern, 0.13%; 1 homozygote.

Submissions (2):

Labcorp Genetics (formerly Invitae), Labcorp
Classification: Likely benign. Last evaluated: 2025-11-27. Review status: criteria provided, single submitter. Criteria: Invitae Variant Classification Sherloc (09022015). Collection method: clinical testing. Allele origin: germline.

PreventionGenetics, part of Exact Sciences
Classification: Likely benign for LONP1-related condition. Last evaluated: 2024-12-18. Review status: criteria provided, single submitter. Criteria: ACMG Guidelines, 2015. Collection method: clinical testing. Allele origin: germline.
Comment: This variant is classified as likely benign based on ACMG/AMP sequence variant interpretation guidelines (Richards et al. 2015 PMID: 25741868, with internal and published modifications).